The following is an entry in ClinVar:

ClinVar aggregate classification (germline): Uncertain significance. Review status: criteria provided, multiple submitters, no conflicts (2 of 4 stars). 2 submissions from 2 submitters: Uncertain significance (2). Last evaluated 2025-06-17.

Conditions:
Inborn genetic diseases. Identifiers: MedGen C0950123, MeSH D030342.

gnomAD v4.1: 3 of 1,614,182 alleles (0.00019%); highest among the groups gnomAD compares: Non-Finnish European, 0.00025%; no homozygotes.

Submissions (2):

Ambry Genetics
Classification: Uncertain significance for Inborn genetic diseases. Last evaluated: 2025-06-17. Review status: criteria provided, single submitter. Criteria: Ambry Variant Classification Scheme 2023. Collection method: clinical testing. Allele origin: germline.

GeneDx
Classification: Uncertain significance. Last evaluated: 2023-11-28. Review status: criteria provided, single submitter. Criteria: GeneDx Variant Classification Process June 2021. Collection method: clinical testing. Allele origin: germline. Affected: yes.
Comment: Not observed at significant frequency in large population cohorts (gnomAD); In silico analysis supports that this missense variant has a deleterious effect on protein structure/function; Has not been previously published as pathogenic or benign to our knowledge

NM_014112.5(TRPS1):c.2110T>A (p.Cys704Ser)

Gene: TRPS1 (transcriptional repressor GATA binding 1; minus strand). Cytogenetic location: 8q23.3.
Variant type: single nucleotide variant.
Coding change: c.2110T>A on transcript NM_014112.5 (MANE Select); coding-DNA position 2110, T replaced by A.
Protein change: p.Cys704Ser; replaces cysteine 704 with serine.
Molecular consequence: missense variant.
Genome position (GRCh38, 1-based): chr8:115,587,591, A>T on the plus strand (T>A on the coding strand, the complement: TRPS1 is on the minus strand). VCF-style: chr8-115587591-A-T. GRCh37 (hg19) VCF-style: chr8-116599818-A-T.
Other names: c.2083T>A, p.Cys695Ser (NM_001282902.3); c.2089T>A, p.Cys697Ser (NM_001282903.3); c.2071T>A, p.Cys691Ser (NM_001330599.2); short protein forms C691S, C695S, C697S, C704S.
Identifiers: ClinVar variation 3364777 (VCV003364777.2).